The following is an entry in ClinVar:

NM_000503.6(EYA1):c.299C>T (p.Thr100Ile)

Gene: EYA1 (EYA transcriptional coactivator and phosphatase 1; minus strand). Cytogenetic location: 8q13.3.
Variant type: single nucleotide variant.
Coding change: c.299C>T on transcript NM_000503.6 (MANE Select); coding-DNA position 299, C replaced by T.
Protein change: p.Thr100Ile; replaces threonine 100 with isoleucine.
Molecular consequence: missense variant. On other transcripts: intron variant (1).
Genome position (GRCh38, 1-based): chr8:71,321,853, G>A on the plus strand (C>T on the coding strand, the complement: EYA1 is on the minus strand). VCF-style: chr8-71321853-G-A. GRCh37 (hg19) VCF-style: chr8-72234088-G-A.
Other names: c.296C>T, p.Thr99Ile (NM_001288574.2); c.386C>T, p.Thr129Ile (NM_001370333.1, NM_172059.5); c.299C>T, p.Thr100Ile (NM_001370334.1, NM_001370335.1, NM_172058.4); c.383C>T, p.Thr128Ile (NM_001370336.1); c.200C>T, p.Thr67Ile (NM_001411797.1, NM_172060.4); c.-12-41C>T (NM_001288575.2); short protein forms T100I, T128I, T129I, T67I, T99I.
Identifiers: ClinVar variation 1803621 (VCV001803621.1), dbSNP rs373501480, ClinGen allele CA371468668.

ClinVar aggregate classification (germline): Uncertain significance (1 of 4 stars; one submission).

Submission:

GeneDx
Classification: Uncertain significance. Last evaluated: 2022-06-07. Review status: criteria provided, single submitter. Criteria: GeneDx Variant Classification Process June 2021. Collection method: clinical testing. Allele origin: germline. Affected: yes.
Comment: Not observed at significant frequency in large population cohorts (gnomAD); In silico analysis supports that this missense variant does not alter protein structure/function; Has not been previously published as pathogenic or benign to our knowledge